The following is an entry in ClinVar:

ClinVar aggregate classification (germline): Uncertain significance (1 of 4 stars; one submission).

Submission:

GeneDx
Classification: Uncertain significance. Last evaluated: 2024-04-29. Review status: criteria provided, single submitter. Criteria: GeneDx Variant Classification Process June 2021. Collection method: clinical testing. Allele origin: germline. Affected: yes.
Comment: Not observed at significant frequency in large population cohorts (gnomAD); In silico analysis supports that this missense variant has a deleterious effect on protein structure/function; Has not been previously published as pathogenic or benign to our knowledge

NM_001321571.2(CAMK2D):c.1457C>G (p.Thr486Ser)

Gene: CAMK2D (calcium/calmodulin dependent protein kinase II delta; minus strand). Cytogenetic location: 4q26.
Variant type: single nucleotide variant.
Coding change: c.1457C>G on transcript NM_001321571.2 (MANE Select); coding-DNA position 1457, C replaced by G.
Protein change: p.Thr486Ser; replaces threonine 486 with serine.
Molecular consequence: missense variant.
Genome position (GRCh38, 1-based): chr4:113,457,413, G>C on the plus strand (C>G on the coding strand, the complement: CAMK2D is on the minus strand). VCF-style: chr4-113457413-G-C. GRCh37 (hg19) VCF-style: chr4-114378569-G-C.
Other names: c.1355C>G, p.Thr452Ser (NM_001221.4, NM_001399858.1, NM_172115.3 and 2 more transcripts); c.1397C>G, p.Thr466Ser (NM_001321566.2, NM_001321575.2, NM_001321583.2 and 4 more transcripts); c.1457C>G, p.Thr486Ser (NM_001321567.2, NM_001321569.2, NM_001321570.2 and 2 more transcripts); c.1430C>G, p.Thr477Ser (NM_001321568.2, NM_001321573.2, NM_001321587.2 and 1 more transcripts); c.1352C>G, p.Thr451Ser (NM_001321574.2, NM_001321576.2, NM_001396967.1); c.1394C>G, p.Thr465Ser (NM_001321577.2, NM_001321584.2, NM_001321588.2); c.809C>G, p.Thr270Ser (NM_001321578.2, NM_001321585.2); c.1415C>G, p.Thr472Ser (NM_001321580.2); and 9 more; short protein forms T256S, T270S, T322S, T357S, T412S, T413S, T427S, T451S.
Identifiers: ClinVar variation 3373068 (VCV003373068.1).